The following is an entry in ClinVar:

NM_006031.6(PCNT):c.3804C>T (p.Asp1268=)

Gene: PCNT (pericentrin; plus strand). Cytogenetic location: 21q22.3.
Variant type: single nucleotide variant.
Coding change: c.3804C>T on transcript NM_006031.6 (MANE Select); coding-DNA position 3804, C replaced by T.
Protein change: p.Asp1268=; no amino-acid change (aspartic acid 1268 retained).
Molecular consequence: synonymous variant.
Genome position (GRCh38, 1-based): chr21:46,389,395, C>T. VCF-style: chr21-46389395-C-T. GRCh37 (hg19) VCF-style: chr21-47809310-C-T.
Other names: c.3450C>T, p.Asp1150= (NM_001315529.2); c.3804C>T (NM_006031.5).
Identifiers: ClinVar variation 2167657 (VCV002167657.13), dbSNP rs200460400, ClinGen allele CA10079445.

ClinVar aggregate classification (germline): Likely benign. Review status: criteria provided, multiple submitters, no conflicts (2 of 4 stars). 3 submissions from 3 submitters: Likely benign (2). 1 of the submissions does not count toward it. Last evaluated 2025-03-01.

Conditions:
PCNT-related disorder. Also called: PCNT-related condition.

Allele frequency attached by ClinVar (database versions not stated): gnomAD exomes 0.00001; ExAC 0.00002; gnomAD 0.00003; TOPMed 0.00004.
gnomAD v4.1: 19 of 1,614,020 alleles (0.0012%); highest among the groups gnomAD compares: East Asian, 0.0089%; no homozygotes.

Submissions (3):

CeGaT Center for Human Genetics Tuebingen
Classification: Likely benign. Last evaluated: 2025-03-01. Review status: criteria provided, single submitter. Criteria: CeGaT Center For Human Genetics Tuebingen Variant Classification Criteria Version 2. Collection method: clinical testing. Allele origin: germline. Affected: yes. Observed: 1 variant allele.
Comment: PCNT: BP4, BP7

Labcorp Genetics (formerly Invitae), Labcorp
Classification: Likely benign. Last evaluated: 2024-01-18. Review status: criteria provided, single submitter. Criteria: Invitae Variant Classification Sherloc (09022015). Collection method: clinical testing. Allele origin: germline.

PreventionGenetics, part of Exact Sciences
Classification: Likely benign for PCNT-related condition. Last evaluated: 2022-03-15. Review status: no assertion criteria provided. Collection method: clinical testing. Allele origin: germline. Not counted in ClinVar's aggregate classification.
Comment: This variant is classified as likely benign based on ACMG/AMP sequence variant interpretation guidelines (Richards et al. 2015 PMID: 25741868, with internal and published modifications).